The following is an entry in ClinVar:

ClinVar aggregate classification (germline): Likely benign (0 of 4 stars; one submission).

Conditions:
LHX2-related disorder. Also called: LHX2-related condition.

Allele frequency attached by ClinVar (database versions not stated): 1000 Genomes Project 0.00020; 1000 Genomes Project 30x 0.00031; ExAC 0.00248; gnomAD 0.00305; TOPMed 0.00309; ESP Exome Variant Server 0.00384; gnomAD exomes 0.00514.

Submission:

PreventionGenetics, part of Exact Sciences
Classification: Likely benign for LHX2-related condition. Last evaluated: 2022-03-28. Review status: no assertion criteria provided. Collection method: clinical testing. Allele origin: germline.
Comment: This variant is classified as likely benign based on ACMG/AMP sequence variant interpretation guidelines (Richards et al. 2015 PMID: 25741868, with internal and published modifications).

NM_004789.4(LHX2):c.776C>A (p.Pro259Gln)

Gene: LHX2 (LIM homeobox 2; plus strand). Cytogenetic location: 9q33.3.
Variant type: single nucleotide variant.
Coding change: c.776C>A on transcript NM_004789.4 (MANE Select); coding-DNA position 776, C replaced by A.
Protein change: p.Pro259Gln; replaces proline 259 with glutamine.
Molecular consequence: missense variant.
Genome position (GRCh38, 1-based): chr9:124,021,147, C>A. VCF-style: chr9-124021147-C-A. GRCh37 (hg19) VCF-style: chr9-126783426-C-A.
Other names: short protein forms P259Q.
Identifiers: ClinVar variation 3042157 (VCV003042157.2), dbSNP rs140229756, ClinGen allele CA5233942.
Genomic context (GRCh38, chr9:124,021,147, plus strand): 5'-TCTCCTCCCTAGCGCTAAGCTGCAACGAAAACGACGCAGAGCACCTGGACCGTGACCAGC[C>A]ATACCCGAGCAGCCAGAAGACCAAGCGCATGCGCACGTCCTTCAAGCACCACCAGCTTCG-3'
Protein context (NP_004780.3, residues 249-269): NDAEHLDRDQ[Pro259Gln]YPSSQKTKRM